The following is an entry in ClinVar:

NM_012120.3(CD2AP):c.-441C>A

Genes: CD2AP (CD2 associated protein; plus strand), CD2AP-DT (CD2AP divergent transcript; minus strand), LOC129996604 (ATAC-STARR-seq lymphoblastoid silent region 17275; plus strand). Cytogenetic location: 6p12.3.
Variant type: single nucleotide variant.
Coding change: c.-441C>A on transcript NM_012120.3 (MANE Select); 441 bases upstream of the start codon, C replaced by A.
Molecular consequence: 5 prime UTR variant.
Genome position (GRCh38, 1-based): chr6:47,477,804, C>A. VCF-style: chr6-47477804-C-A. GRCh37 (hg19) VCF-style: chr6-47445540-C-A.
Identifiers: ClinVar variation 357149 (VCV000357149.6), dbSNP rs111766401, ClinGen allele CA10626992.
Genomic context (GRCh38, chr6:47,477,804, plus strand): 5'-CGAGATTTGCCTCCTCCCGGTCCCAGCTCCCCGCACCTTCTCGGCCTCTGTCTGGGTCCC[C>A]ACCTTAGTCTACGGTGTCGCCTTTTCTAACTGCGAGTGCTAAGGAAGAGGCGAGGGGCGG-3'

ClinVar aggregate classification (germline): Benign/Likely benign. Review status: criteria provided, multiple submitters, no conflicts (2 of 4 stars). 2 submissions from 2 submitters: Benign (1); Likely benign (1). Last evaluated 2020-01-16.

Conditions:
Focal segmental glomerulosclerosis 3, susceptibility to (FSGS3). Identifiers: Orphanet 656, MedGen C1842982, MONDO:0011917, OMIM 607832.

Allele frequency attached by ClinVar (database versions not stated): 1000 Genomes Project 0.01038; 1000 Genomes Project 30x 0.01202.
gnomAD v4.1: 1,464 of 202,014 alleles (0.72%); highest among the groups gnomAD compares: African/African-American, 3.3%; 24 homozygotes.

Submissions (2):

GeneDx
Classification: Likely benign. Last evaluated: 2020-01-16. Review status: criteria provided, single submitter. Criteria: GeneDx Variant Classification Process June 2021. Collection method: clinical testing. Allele origin: germline. Affected: yes.

Illumina Laboratory Services, Illumina
Classification: Benign for Focal segmental glomerulosclerosis 3, susceptibility to. Last evaluated: 2018-01-12. Review status: criteria provided, single submitter. Criteria: ICSL Variant Classification Criteria 13 December 2019. Collection method: clinical testing. Allele origin: germline.
Comment: This variant was observed in the ICSL laboratory as part of a predisposition screen in an ostensibly healthy population. It had not been previously curated by ICSL or reported in the Human Gene Mutation Database (HGMD: prior to June 1st, 2018), and was therefore a candidate for classification through an automated scoring system. Utilizing variant allele frequency, disease prevalence and penetrance estimates, and inheritance mode, an automated score was calculated to assess if this variant is too frequent to cause the disease. Based on the score and internal cut-off values, a variant classified as benign is not then subjected to further curation. The score for this variant resulted in a classification of benign for this disease.